The following is an entry in ClinVar:

NM_001048174.2(MUTYH):c.1145A>G (p.Glu382Gly)

Gene: MUTYH (mutY DNA glycosylase; minus strand). Cytogenetic location: 1p34.1.
Variant type: single nucleotide variant.
Coding change: c.1145A>G on transcript NM_001048174.2 (MANE Select); coding-DNA position 1145, A replaced by G.
Protein change: p.Glu382Gly; replaces glutamic acid 382 with glycine.
Molecular consequence: missense variant. On other transcripts: non-coding transcript variant (7).
Genome position (GRCh38, 1-based): chr1:45,331,514, T>C on the plus strand (A>G on the coding strand, the complement: MUTYH is on the minus strand). VCF-style: chr1-45331514-T-C. GRCh37 (hg19) VCF-style: chr1-45797186-T-C.
Other names: c.1148A>G, p.Glu383Gly (NM_001407071.1, NM_001048172.2, NM_001407078.1 and 1 more transcripts); c.1145A>G, p.Glu382Gly (NM_001407072.1, NM_001407073.1, NM_001407088.1 and 6 more transcripts); c.1061A>G, p.Glu354Gly (NM_001407075.1); c.869A>G, p.Glu290Gly (NM_001407091.1, NM_001293196.2, NM_001293192.2); c.1220A>G, p.Glu407Gly (NM_012222.3); c.800A>G, p.Glu267Gly (NM_001350650.2, NM_001350651.2, NM_001407082.1); c.1178A>G, p.Glu393Gly (NM_001407069.1, NM_001293191.2, NM_001407077.1); c.1229A>G, p.Glu410Gly (NM_001128425.2); and 5 more; short protein forms E354G, E407G, E290G, E389G, E393G, E397G, E267G, E368G.
Identifiers: ClinVar variation 4113103 (VCV004113103.1).

ClinVar aggregate classification (germline): Uncertain significance (1 of 4 stars; one submission).

Conditions:
Hereditary cancer-predisposing syndrome. Also called: Tumor predisposition; Neoplastic Syndromes, Hereditary; Hereditary neoplastic syndrome; Hereditary Cancer Syndrome. Identifiers: Orphanet 140162, MedGen C0027672, MeSH D009386, MONDO:0015356.

Submission:

Ambry Genetics
Classification: Uncertain significance for Hereditary cancer-predisposing syndrome. Last evaluated: 2025-08-27. Review status: criteria provided, single submitter. Criteria: Ambry Variant Classification Scheme 2023. Collection method: clinical testing. Allele origin: germline.
Comment: The p.E410G variant (also known as c.1229A>G), located in coding exon 13 of the MUTYH gene, results from an A to G substitution at nucleotide position 1229. The glutamic acid at codon 410 is replaced by glycine, an amino acid with similar properties. This amino acid position is conserved. In addition, this alteration is predicted to be tolerated by in silico analysis. Based on the available evidence, the clinical significance of this variant remains unclear.